The following is an entry in ClinVar:

NM_000548.5(TSC2):c.1753C>T (p.Arg585Cys)

Gene: TSC2 (TSC complex subunit 2; plus strand). Cytogenetic location: 16p13.3.
Variant type: single nucleotide variant.
Coding change: c.1753C>T on transcript NM_000548.5 (MANE Select); coding-DNA position 1753, C replaced by T.
Protein change: p.Arg585Cys; replaces arginine 585 with cysteine.
Molecular consequence: missense variant.
Genome position (GRCh38, 1-based): chr16:2,070,492, C>T. VCF-style: chr16-2070492-C-T. GRCh37 (hg19) VCF-style: chr16-2120493-C-T.
Other names: c.1753C>T, p.Arg585Cys (NM_001077183.3, NM_001114382.3, NM_001363528.2 and 3 more transcripts); c.1642C>T, p.Arg548Cys (NM_001318827.2); c.1606C>T, p.Arg536Cys (NM_001318829.2); c.1153C>T, p.Arg385Cys (NM_001318831.2); c.1786C>T, p.Arg596Cys (NM_001318832.2); short protein forms R585C, R536C, R596C, R548C, R385C.
Identifiers: ClinVar variation 406014 (VCV000406014.22), dbSNP rs370324876, ClinGen allele CA033336.

ClinVar aggregate classification (germline): Conflicting classifications of pathogenicity. Review status: criteria provided, conflicting classifications (1 of 4 stars). 6 submissions from 6 submitters: Uncertain significance (3); Likely benign (3). Last evaluated 2025-12-01.

Conditions:
Hereditary cancer-predisposing syndrome. Also called: Tumor predisposition; Neoplastic Syndromes, Hereditary; Hereditary Cancer Syndrome; Hereditary neoplastic syndrome. Identifiers: Orphanet 140162, MedGen C0027672, MeSH D009386, MONDO:0015356.
Tuberous sclerosis syndrome (TSC). Also called: Tuberous Sclerosis Complex; Tuberous sclerosis. Identifiers: Orphanet 805, MedGen C0041341, MONDO:0001734.
Tuberous sclerosis 2 (TSC2). Identifiers: Orphanet 805, MedGen C1860707, MONDO:0013199, OMIM 613254.

Allele frequency attached by ClinVar (database versions not stated): ExAC 0.00001; gnomAD exomes 0.00001; gnomAD 0.00003; ESP Exome Variant Server 0.00008.
gnomAD v4.1: 13 of 1,613,298 alleles (0.00081%); highest among the groups gnomAD compares: African/African-American, 0.0013%; no homozygotes.

Submissions (6):

Labcorp Genetics (formerly Invitae), Labcorp
Classification: Likely benign for Tuberous sclerosis 2. Last evaluated: 2025-12-01. Review status: criteria provided, single submitter. Criteria: Invitae Variant Classification Sherloc (09022015). Collection method: clinical testing. Allele origin: germline.

All of Us Research Program, National Institutes of Health
Classification: Uncertain significance for Tuberous sclerosis syndrome. Last evaluated: 2024-05-14. Review status: criteria provided, single submitter. Criteria: ACMG Guidelines, 2015. Collection method: clinical testing. Allele origin: germline. Inheritance: Autosomal dominant inheritance. Observed: 6 variant alleles, 6 heterozygotes.
Comment: This missense variant replaces arginine with cysteine at codon 585 of the TSC2 protein. Computational prediction is inconclusive regarding the impact of this variant on protein structure and function (internally defined REVEL score threshold 0.5 < inconclusive < 0.7, PMID: 27666373). To our knowledge, functional studies have not been reported for this variant. This variant has not been reported in individuals affected with tuberous sclerosis complex in the literature. This variant has been identified in 3/282266 chromosomes in the general population by the Genome Aggregation Database (gnomAD). The available evidence is insufficient to determine the role of this variant in disease conclusively. Therefore, this variant is classified as a Variant of Uncertain Significance.

This study involves interpretation of variants in research participants for the purpose of population health screening. Participant phenotype was not available at the time of variant classification. Additional details can be found in publication PMID: 35346344, PMCID: PMC8962531

GeneDx
Classification: Uncertain significance. Last evaluated: 2022-08-04. Review status: criteria provided, single submitter. Criteria: GeneDx Variant Classification Process June 2021. Collection method: clinical testing. Allele origin: germline. Affected: yes.
Comment: In silico analysis supports that this missense variant has a deleterious effect on protein structure/function; Has not been previously published as pathogenic or benign to our knowledge

Ambry Genetics
Classification: Likely benign for Hereditary cancer-predisposing syndrome. Last evaluated: 2022-02-09. Review status: criteria provided, single submitter. Criteria: Ambry Variant Classification Scheme 2023. Collection method: clinical testing. Allele origin: germline.

Genome-Nilou Lab
Classification: Likely benign for Tuberous sclerosis 2. Last evaluated: 2021-11-07. Review status: criteria provided, single submitter. Criteria: ACMG Guidelines, 2015. Collection method: clinical testing. Allele origin: germline. Affected: no.

Sema4
Classification: Uncertain significance for Hereditary cancer-predisposing syndrome. Last evaluated: 2021-04-03. Review status: criteria provided, single submitter. Criteria: Sema4 Curation Guidelines. Collection method: curation. Allele origin: germline.
Comment: To the best of our knowledge, the TSC2 c.1753C>T (p.R585C) variant has not been reported in individuals with TSC2-related disease. It was observed in 3/282266 chromosomes in the large and broad cohorts of the Genome Aggregation Database (PMID: 32461654). The variant has been reported in ClinVar (Variation ID 406014). This variant involves a highly conserved amino acid, and computational analyses do not provide strong support for or against an impact to the protein, though these predictions have not been confirmed by functional studies. The evidence is insufficient to meet ACMG/AMP criteria for classifying the variant as benign or pathogenic. Thus, the clinical significance of this variant is currently uncertain.

Literature cited by the submitters: PubMed 22490766 (cited by Ambry Genetics).